The following is an entry in ClinVar:

ClinVar aggregate classification (germline): Uncertain significance. Review status: criteria provided, single submitter (1 of 4 stars). 4 submissions from 2 submitters: Uncertain significance (1). 3 of the submissions do not count toward it. Last evaluated 2025-12-08.

Conditions:
Dilated cardiomyopathy 3B (CMD3B). Also called: CMD3B: DMD-Related Dilated Cardiomyopathy; CARDIOMYOPATHY, DILATED, X-LINKED; DMD-Associated Dilated Cardiomyopathy. Identifiers: Orphanet 154, MedGen C3668940, MONDO:0010542, OMIM 302045.
Becker muscular dystrophy (BMD). Also called: MUSCULAR DYSTROPHY, PSEUDOHYPERTROPHIC PROGRESSIVE, BECKER TYPE; Becker Muscular Dystrophy (BMD). Identifiers: Orphanet 98895, MedGen C0917713, MONDO:0010311, OMIM 300376.
Duchenne muscular dystrophy (DMD). Also called: MUSCULAR DYSTROPHY, PSEUDOHYPERTROPHIC PROGRESSIVE, DUCHENNE TYPE; Duchenne Muscular Dystrophy (DMD). Identifiers: Orphanet 98896, MedGen C0013264, MONDO:0010679, OMIM 310200.

Allele frequency attached by ClinVar (database versions not stated): TOPMed below 0.00001; gnomAD 0.00001; gnomAD exomes 0.00001; 1000 Genomes Project 30x 0.00021; 1000 Genomes Project 0.00026.
gnomAD v4.1: 10 of 1,207,800 alleles (0.00083%); highest among the groups gnomAD compares: East Asian, 0.03%; no homozygotes.

Submissions (4):

Labcorp Genetics (formerly Invitae), Labcorp
Classification: Uncertain significance for Duchenne muscular dystrophy. Last evaluated: 2025-12-08. Review status: criteria provided, single submitter. Criteria: Invitae Variant Classification Sherloc (09022015). Collection method: clinical testing. Allele origin: germline.
Comment: This sequence change replaces leucine, which is neutral and non-polar, with isoleucine, which is neutral and non-polar, at codon 235 of the DMD protein (p.Leu235Ile). This variant is not present in population databases (gnomAD no frequency). This variant has not been reported in the literature in individuals affected with DMD-related conditions. ClinVar contains an entry for this variant (Variation ID: 374949). Invitae Evidence Modeling of protein sequence and biophysical properties (such as structural, functional, and spatial information, amino acid conservation, physicochemical variation, residue mobility, and thermodynamic stability) indicates that this missense variant is not expected to disrupt DMD protein function with a negative predictive value of 95%. In summary, the available evidence is currently insufficient to determine the role of this variant in disease. Therefore, it has been classified as a Variant of Uncertain Significance.

Knight Diagnostic Laboratories, Oregon Health and Sciences University
Classification: Uncertain significance for Becker muscular dystrophy. Last evaluated: 2016-03-30. Review status: no assertion criteria provided. Criteria: ACMG Guidelines, 2015. Collection method: clinical testing. Allele origin: germline. Affected: no. Study: CSER-NextGen. Not counted in ClinVar's aggregate classification.

Knight Diagnostic Laboratories, Oregon Health and Sciences University
Classification: Uncertain significance for Dilated cardiomyopathy 3B. Last evaluated: 2016-03-30. Review status: no assertion criteria provided. Criteria: ACMG Guidelines, 2015. Collection method: clinical testing. Allele origin: germline. Affected: no. Study: CSER-NextGen. Not counted in ClinVar's aggregate classification.

Knight Diagnostic Laboratories, Oregon Health and Sciences University
Classification: Uncertain significance for Duchenne muscular dystrophy. Last evaluated: 2016-03-30. Review status: no assertion criteria provided. Criteria: ACMG Guidelines, 2015. Collection method: clinical testing. Allele origin: germline. Affected: no. Study: CSER-NextGen. Not counted in ClinVar's aggregate classification.

NM_004006.3(DMD):c.703C>A (p.Leu235Ile)

Gene: DMD (dystrophin; minus strand). Cytogenetic location: Xp21.1.
Variant type: single nucleotide variant.
Coding change: c.703C>A on transcript NM_004006.3 (MANE Select); coding-DNA position 703, C replaced by A.
Protein change: p.Leu235Ile; replaces leucine 235 with isoleucine.
Molecular consequence: missense variant.
Genome position (GRCh38, 1-based): chrX:32,699,240, G>T on the plus strand (C>A on the coding strand, the complement: DMD is on the minus strand). VCF-style: chrX-32699240-G-T. GRCh37 (hg19) VCF-style: chrX-32717357-G-T.
Other names: c.679C>A, p.Leu227Ile (NM_000109.4); c.691C>A, p.Leu231Ile (NM_004009.3); c.334C>A, p.Leu112Ile (NM_004010.3); short protein forms L227I, L235I, L112I, L231I.
Identifiers: ClinVar variation 374949 (VCV000374949.2), dbSNP rs200177107, ClinGen allele CA16044001.